The following is an entry in ClinVar:

NM_003922.4(HERC1):c.4967G>A (p.Ser1656Asn)

Gene: HERC1 (HECT and RLD domain containing E3 ubiquitin protein ligase family member 1; minus strand). Cytogenetic location: 15q22.31.
Variant type: single nucleotide variant.
Coding change: c.4967G>A on transcript NM_003922.4 (MANE Select); coding-DNA position 4967, G replaced by A.
Protein change: p.Ser1656Asn; replaces serine 1656 with asparagine.
Molecular consequence: missense variant.
Genome position (GRCh38, 1-based): chr15:63,696,278, C>T on the plus strand (G>A on the coding strand, the complement: HERC1 is on the minus strand). VCF-style: chr15-63696278-C-T. GRCh37 (hg19) VCF-style: chr15-63988477-C-T.
Other names: short protein forms S1656N.
Identifiers: ClinVar variation 3857511 (VCV003857511.3).

ClinVar aggregate classification (germline): Uncertain significance. Review status: criteria provided, multiple submitters, no conflicts (2 of 4 stars). 2 submissions from 2 submitters: Uncertain significance (2). Last evaluated 2026-03-12.

Conditions:
Inborn genetic diseases. Identifiers: MedGen C0950123, MeSH D030342.

gnomAD v4.1: 43 of 1,613,340 alleles (0.0027%); highest among the groups gnomAD compares: Middle Eastern, 0.082%; no homozygotes.

Submissions (2):

GeneDx
Classification: Uncertain significance. Last evaluated: 2026-03-12. Review status: criteria provided, single submitter. Criteria: GeneDx Variant Classification Process June 2021. Collection method: clinical testing. Allele origin: germline.
Comment: Not observed at significant frequency in large population cohorts (gnomAD); In silico analysis suggests this variant may impact gene splicing. In the absence of RNA/functional studies, the actual effect of this sequence change is unknown.; In silico analysis suggests that this missense variant does not alter protein structure/function; Has not been previously published as pathogenic or benign to our knowledge

Ambry Genetics
Classification: Uncertain significance for Inborn genetic diseases. Last evaluated: 2025-01-21. Review status: criteria provided, single submitter. Criteria: Ambry Variant Classification Scheme 2023. Collection method: clinical testing. Allele origin: germline.